The following is an entry in ClinVar:

ClinVar aggregate classification (germline): Uncertain significance (1 of 4 stars; one submission).

Allele frequency attached by ClinVar (database versions not stated): gnomAD exomes below 0.00001; ExAC 0.00001; gnomAD 0.00001.

Submission:

Labcorp Genetics (formerly Invitae), Labcorp
Classification: Uncertain significance. Last evaluated: 2024-11-11. Review status: criteria provided, single submitter. Criteria: Invitae Variant Classification Sherloc (09022015). Collection method: clinical testing. Allele origin: germline.
Comment: This sequence change replaces glutamic acid, which is acidic and polar, with aspartic acid, which is acidic and polar, at codon 1527 of the SPEG protein (p.Glu1527Asp). This variant is present in population databases (rs754063100, gnomAD 0.0009%). This variant has not been reported in the literature in individuals affected with SPEG-related conditions. ClinVar contains an entry for this variant (Variation ID: 1489697). An algorithm developed to predict the effect of missense changes on protein structure and function (PolyPhen-2) suggests that this variant is likely to be disruptive. In summary, the available evidence is currently insufficient to determine the role of this variant in disease. Therefore, it has been classified as a Variant of Uncertain Significance.

NM_005876.5(SPEG):c.4581G>C (p.Glu1527Asp)

Gene: SPEG (striated muscle enriched protein kinase; plus strand). Cytogenetic location: 2q35.
Variant type: single nucleotide variant.
Coding change: c.4581G>C on transcript NM_005876.5 (MANE Select); coding-DNA position 4581, G replaced by C.
Protein change: p.Glu1527Asp; replaces glutamic acid 1527 with aspartic acid.
Molecular consequence: missense variant.
Genome position (GRCh38, 1-based): chr2:219,477,297, G>C. VCF-style: chr2-219477297-G-C. GRCh37 (hg19) VCF-style: chr2-220342019-G-C.
Other names: short protein forms E1527D.
Identifiers: ClinVar variation 1489697 (VCV001489697.8), dbSNP rs754063100, ClinGen allele CA2126567.